The following is an entry in ClinVar:

NM_024675.4(PALB2):c.983C>T (p.Ser328Phe)

Gene: PALB2 (partner and localizer of BRCA2; minus strand). Cytogenetic location: 16p12.2.
Variant type: single nucleotide variant.
Coding change: c.983C>T on transcript NM_024675.4 (MANE Select); coding-DNA position 983, C replaced by T.
Protein change: p.Ser328Phe; replaces serine 328 with phenylalanine.
Molecular consequence: missense variant.
Genome position (GRCh38, 1-based): chr16:23,635,563, G>A on the plus strand (C>T on the coding strand, the complement: PALB2 is on the minus strand). VCF-style: chr16-23635563-G-A. GRCh37 (hg19) VCF-style: chr16-23646884-G-A.
Other names: short protein forms S328F.
Identifiers: ClinVar variation 628269 (VCV000628269.7), dbSNP rs1567221893, ClinGen allele CA395134762.
Genomic context (GRCh38, chr16:23,635,563, plus strand): 5'-TGTTCTTTTAAGTTTTGGTTTTCATTTGCTGGTAAGTTATTGTAGGTGAGTTCATTTAGA[G>A]AACATGAAATATTTGCCTCTAAATTAGAACTTGTGGGCAGTTGGCCACTTTTACTTATAG-3'
Protein context (NP_078951.2, residues 318-338): SSNLEANISC[Ser328Phe]LNELTYNNLP

ClinVar aggregate classification (germline): Uncertain significance. Review status: criteria provided, multiple submitters, no conflicts (2 of 4 stars). 2 submissions from 2 submitters: Uncertain significance (2). Last evaluated 2023-12-05.

Conditions:
Hereditary cancer-predisposing syndrome. Also called: Neoplastic Syndromes, Hereditary; Tumor predisposition; Hereditary neoplastic syndrome; Hereditary Cancer Syndrome. Identifiers: Orphanet 140162, MedGen C0027672, MeSH D009386, MONDO:0015356.

Submissions (2):

Color Diagnostics, LLC DBA Color Health
Classification: Uncertain significance for Hereditary cancer-predisposing syndrome. Last evaluated: 2023-12-05. Review status: criteria provided, single submitter. Criteria: ACMG Guidelines, 2015. Collection method: clinical testing. Allele origin: germline.
Comment: This missense variant replaces serine with phenylalanine at codon 328 of the PALB2 protein. Computational prediction suggests that this variant may not impact protein structure and function (internally defined REVEL score threshold <= 0.5, PMID: 27666373). To our knowledge, functional studies have not been reported for this variant. This variant has not been reported in individuals affected with PALB2-related disorders in the literature. This variant has not been identified in the general population by the Genome Aggregation Database (gnomAD). The available evidence is insufficient to determine the role of this variant in disease conclusively. Therefore, this variant is classified as a Variant of Uncertain Significance.

Ambry Genetics
Classification: Uncertain significance for Hereditary cancer-predisposing syndrome. Last evaluated: 2020-09-16. Review status: criteria provided, single submitter. Criteria: Ambry Variant Classification Scheme 2023. Collection method: clinical testing. Allele origin: germline.
Comment: The p.S328F variant (also known as c.983C>T), located in coding exon 4 of the PALB2 gene, results from a C to T substitution at nucleotide position 983. The serine at codon 328 is replaced by phenylalanine, an amino acid with highly dissimilar properties. This amino acid position is not well conserved in available vertebrate species, and phenylalanine is the reference amino acid in other vertebrate species. In addition, this alteration is predicted to be tolerated by in silico analysis. Since supporting evidence is limited at this time, the clinical significance of this alteration remains unclear.